The following is an entry in ClinVar:

ClinVar aggregate classification (germline): Uncertain significance (1 of 4 stars; one submission).

Allele frequency attached by ClinVar (database versions not stated): TOPMed below 0.00001; gnomAD 0.00001; gnomAD exomes 0.00001 and 0.00002; ExAC 0.00002.
gnomAD v4.1: 10 of 1,607,684 alleles (0.00062%); highest among the groups gnomAD compares: Middle Eastern, 0.017%; no homozygotes.

Submission:

Labcorp Genetics (formerly Invitae), Labcorp
Classification: Uncertain significance. Last evaluated: 2020-03-05. Review status: criteria provided, single submitter. Criteria: Invitae Variant Classification Sherloc (09022015). Collection method: clinical testing. Allele origin: germline.
Comment: In summary, the available evidence is currently insufficient to determine the role of this variant in disease. Therefore, it has been classified as a Variant of Uncertain Significance. Nucleotide substitutions within the consensus splice site are a relatively common cause of aberrant splicing (PMID: 17576681, 9536098). Algorithms developed to predict the effect of sequence changes on RNA splicing suggest that this variant may disrupt the consensus splice site, but this prediction has not been confirmed by published transcriptional studies. This variant has not been reported in the literature in individuals with KIAA1549-related conditions. This variant is present in population databases (rs763241142, ExAC 0.003%). This sequence change falls in intron 17 of the KIAA1549 gene. It does not directly change the encoded amino acid sequence of the KIAA1549 protein, but it affects a nucleotide within the consensus splice site of the intron.

Literature cited by the submitters: PubMed 17576681; PubMed 9536098.

NM_001164665.2(KIAA1549):c.5294+3A>C

Gene: KIAA1549 (KIAA1549; minus strand). Cytogenetic location: 7q34.
Variant type: single nucleotide variant.
Coding change: c.5294+3A>C on transcript NM_001164665.2 (MANE Select); 3 bases into the intron after coding-DNA position 5294, A replaced by C.
Molecular consequence: intron variant.
Genome position (GRCh38, 1-based): chr7:138,852,220, T>G on the plus strand (A>C on the coding strand, the complement: KIAA1549 is on the minus strand). VCF-style: chr7-138852220-T-G. GRCh37 (hg19) VCF-style: chr7-138536966-T-G.
Other names: c.5294+3A>C (NM_020910.3).
Identifiers: ClinVar variation 1059658 (VCV001059658.7), dbSNP rs763241142, ClinGen allele CA4505609.